The following is an entry in ClinVar:

ClinVar aggregate classification (germline): Pathogenic/Likely pathogenic. Review status: criteria provided, multiple submitters, no conflicts (2 of 4 stars). 2 submissions from 2 submitters: Pathogenic (1); Likely pathogenic (1). Last evaluated 2025-02-28.

Conditions:
Neurofibromatosis, type 2 (SWNV). Also called: BILATERAL ACOUSTIC NEUROFIBROMATOSIS; SCHWANNOMATOSIS, VESTIBULAR; NF2-Related Schwannomatosis. Identifiers: Orphanet 637, MedGen C0027832, MONDO:0007039, OMIM 101000. Disease mechanism: loss of function.
Hereditary cancer-predisposing syndrome. Also called: Neoplastic Syndromes, Hereditary; Hereditary neoplastic syndrome; Tumor predisposition; Hereditary Cancer Syndrome. Identifiers: Orphanet 140162, MedGen C0027672, MeSH D009386, MONDO:0015356.

Submissions (2):

Ambry Genetics
Classification: Likely pathogenic for Hereditary cancer-predisposing syndrome. Last evaluated: 2025-02-28. Review status: criteria provided, single submitter. Criteria: Ambry Variant Classification Scheme 2023. Collection method: clinical testing. Allele origin: germline.
Comment: The c.1737+2T>C intronic variant results from a T to C substitution two nucleotides after coding exon 15 in the NF2 gene. In silico splice site analysis predicts that this alteration will weaken the native splice donor site. RNA studies have demonstrated that this alteration results in abnormal splicing in the set of samples tested (Ambry internal data). This variant is considered to be rare based on population cohorts in the Genome Aggregation Database (gnomAD). Based on the majority of available evidence to date, this variant is likely to be pathogenic.

Labcorp Genetics (formerly Invitae), Labcorp
Classification: Pathogenic for Neurofibromatosis, type 2. Last evaluated: 2022-08-10. Review status: criteria provided, single submitter. Criteria: Invitae Variant Classification Sherloc (09022015). Collection method: clinical testing. Allele origin: germline.
Comment: This sequence change affects a donor splice site in intron 15 of the NF2 gene. While this variant is not anticipated to result in nonsense mediated decay, it likely alters RNA splicing and results in a disrupted protein product. This variant is not present in population databases (gnomAD no frequency). For these reasons, this variant has been classified as Pathogenic. Variants that disrupt the consensus splice site are a relatively common cause of aberrant splicing (PMID: 17576681, 9536098). Algorithms developed to predict the effect of sequence changes on RNA splicing suggest that this variant may disrupt the consensus splice site. ClinVar contains an entry for this variant (Variation ID: 863067). Disruption of this splice site has been observed in individuals with neurofibromatosis type 2 (PMID: 16983642).

Literature cited by the submitters: PubMed 17576681 (cited by Labcorp Genetics (formerly Invitae), Labcorp); PubMed 9536098 (cited by Labcorp Genetics (formerly Invitae), Labcorp); PubMed 16983642 (cited by Labcorp Genetics (formerly Invitae), Labcorp).

NM_000268.4(NF2):c.1737+2T>C

Gene: NF2 (NF2, moesin-ezrin-radixin like (MERLIN) tumor suppressor; plus strand). Cytogenetic location: 22q12.2.
Variant type: single nucleotide variant.
Coding change: c.1737+2T>C on transcript NM_000268.4 (MANE Select); the canonical splice donor site of the intron after coding-DNA position 1737, T replaced by C.
Molecular consequence: splice donor variant. On other transcripts: intron variant (3).
Genome position (GRCh38, 1-based): chr22:29,681,603, T>C. VCF-style: chr22-29681603-T-C. GRCh37 (hg19) VCF-style: chr22-30077592-T-C.
Other names: c.1737+2T>C (NM_016418.5, NM_181832.3, NM_001407066.1 and 1 more transcripts); c.1623+2T>C (NM_001407056.1, NM_001407053.1); c.1506+2T>C (NM_001407067.1); c.1203+2T>C (NM_001407065.1); c.1574+3280T>C (NM_001407060.1); c.1602+2T>C (NM_001407059.1, NM_001407057.1); c.448-13149T>C (NM_181833.3); c.1614+2T>C (NM_001407058.1, NM_181829.3, NM_001407054.1); and 4 more.
Identifiers: ClinVar variation 863067 (VCV000863067.11), dbSNP rs1556003801, ClinGen allele CA411150559.